The following is an entry in ClinVar:

ClinVar aggregate classification (germline): Likely pathogenic. Review status: criteria provided, single submitter (1 of 4 stars). 2 submissions from 2 submitters: Likely pathogenic (1). 1 of the submissions does not count toward it. Last evaluated 2023-12-01.

Conditions:
Deficiency of alpha-mannosidase (MANSA). Also called: LYSOSOMAL ALPHA-D-MANNOSIDASE DEFICIENCY; Mannosidosis, alpha-, types I and II; Alpha-Mannosidosis. Identifiers: Orphanet 61, MedGen C0024748, MONDO:0009561, OMIM 248500.

Allele frequency attached by ClinVar (database versions not stated): gnomAD exomes below 0.00001.
gnomAD v4.1: 1 of 1,581,370 alleles (0.000063%); highest among the groups gnomAD compares: Non-Finnish European, 0.000086%; no homozygotes.

Submissions (2):

Labcorp Genetics (formerly Invitae), Labcorp
Classification: Likely pathogenic for Deficiency of alpha-mannosidase. Last evaluated: 2023-12-01. Review status: criteria provided, single submitter. Criteria: Invitae Variant Classification Sherloc (09022015). Collection method: clinical testing. Allele origin: germline.
Comment: This sequence change affects a donor splice site in intron 1 of the MAN2B1 gene. It is expected to disrupt RNA splicing. Variants that disrupt the donor or acceptor splice site typically lead to a loss of protein function (PMID: 16199547), and loss-of-function variants in MAN2B1 are known to be pathogenic (PMID: 9915946, 22161967). This variant is not present in population databases (gnomAD no frequency). This variant has not been reported in the literature in individuals affected with MAN2B1-related conditions. ClinVar contains an entry for this variant (Variation ID: 552469). Algorithms developed to predict the effect of sequence changes on RNA splicing suggest that this variant may disrupt the consensus splice site. In summary, the currently available evidence indicates that the variant is pathogenic, but additional data are needed to prove that conclusively. Therefore, this variant has been classified as Likely Pathogenic.

Counsyl
Classification: Likely pathogenic for Deficiency of alpha-mannosidase. Last evaluated: 2017-06-20. Review status: no assertion criteria provided. Collection method: clinical testing. Allele origin: unknown. Not counted in ClinVar's aggregate classification.

Literature cited by the submitters: PubMed 16199547 (cited by Labcorp Genetics (formerly Invitae), Labcorp); PubMed 9915946 (cited by Labcorp Genetics (formerly Invitae), Labcorp); PubMed 22161967 (cited by Labcorp Genetics (formerly Invitae), Labcorp).

NM_000528.4(MAN2B1):c.159+1G>A

Gene: MAN2B1 (mannosidase alpha class 2B member 1; minus strand). Cytogenetic location: 19p13.13.
Variant type: single nucleotide variant.
Coding change: c.159+1G>A on transcript NM_000528.4 (MANE Select); the canonical splice donor site of the intron after coding-DNA position 159, G replaced by A.
Molecular consequence: splice donor variant.
Genome position (GRCh38, 1-based): chr19:12,666,542, C>T on the plus strand (G>A on the coding strand, the complement: MAN2B1 is on the minus strand). VCF-style: chr19-12666542-C-T. GRCh37 (hg19) VCF-style: chr19-12777356-C-T.
Other names: c.159+1G>A (NM_001173498.2).
Identifiers: ClinVar variation 552469 (VCV000552469.5), dbSNP rs1555710254, ClinGen allele CA404260255.
Genomic context (GRCh38, chr19:12,666,542, plus strand): 5'-TAGACTGTATTCTGGGTTTCACTCTGCCTCCTGTACGTTTCAGCTCGGAGGCCCCACTCA[C>T]CTCGTATCCCCCGGCCCGAGCACCGGCAGCCGCCAGCAACAAAAGGAAAAAGCAGAGAGG-3'